The following is an entry in ClinVar:

NM_002875.5(RAD51):c.667A>C (p.Ser223Arg)

Gene: RAD51 (RAD51 recombinase; plus strand). Cytogenetic location: 15q15.1.
Variant type: single nucleotide variant.
Coding change: c.667A>C on transcript NM_002875.5 (MANE Select); coding-DNA position 667, A replaced by C.
Protein change: p.Ser223Arg; replaces serine 223 with arginine.
Molecular consequence: missense variant.
Genome position (GRCh38, 1-based): chr15:40,729,527, A>C. VCF-style: chr15-40729527-A-C. GRCh37 (hg19) VCF-style: chr15-41021725-A-C.
Other names: c.670A>C, p.Ser224Arg (NM_001164269.2, NM_133487.4); c.667A>C, p.Ser223Arg (NM_001164270.2); short protein forms S223R, S224R.
Identifiers: ClinVar variation 3368971 (VCV003368971.1).

ClinVar aggregate classification (germline): Uncertain significance (1 of 4 stars; one submission).

Submission:

GeneDx
Classification: Uncertain significance. Last evaluated: 2024-02-07. Review status: criteria provided, single submitter. Criteria: GeneDx Variant Classification Process June 2021. Collection method: clinical testing. Allele origin: germline. Affected: yes.
Comment: Not observed at significant frequency in large population cohorts (gnomAD); In silico analysis supports that this missense variant has a deleterious effect on protein structure/function; Has not been previously published as pathogenic or benign to our knowledge